The following is an entry in ClinVar:

NM_022765.4(MICAL1):c.2070G>C (p.Glu690Asp)

Gene: MICAL1 (microtubule associated monooxygenase, calponin and LIM domain containing 1; minus strand). Cytogenetic location: 6q21.
Variant type: single nucleotide variant.
Coding change: c.2070G>C on transcript NM_022765.4 (MANE Select); coding-DNA position 2070, G replaced by C.
Protein change: p.Glu690Asp; replaces glutamic acid 690 with aspartic acid.
Molecular consequence: missense variant.
Genome position (GRCh38, 1-based): chr6:109,447,357, C>G on the plus strand (G>C on the coding strand, the complement: MICAL1 is on the minus strand). VCF-style: chr6-109447357-C-G. GRCh37 (hg19) VCF-style: chr6-109768560-C-G.
Other names: c.1812G>C, p.Glu604Asp (NM_001159291.2); c.2127G>C, p.Glu709Asp (NM_001286613.2); short protein forms E709D, E604D, E690D.
Identifiers: ClinVar variation 4733072 (VCV004733072.1).

ClinVar aggregate classification (germline): Uncertain significance (1 of 4 stars; one submission).

gnomAD v4.1: 8 of 1,613,920 alleles (0.0005%); highest among the groups gnomAD compares: Non-Finnish European, 0.00068%; no homozygotes.

Submission:

Labcorp Genetics (formerly Invitae), Labcorp
Classification: Uncertain significance. Last evaluated: 2026-01-21. Review status: criteria provided, single submitter. Criteria: Invitae Variant Classification Sherloc (09022015). Collection method: clinical testing. Allele origin: germline.
Comment: This sequence change replaces glutamic acid, which is acidic and polar, with aspartic acid, which is acidic and polar, at codon 709 of the MICAL1 protein (p.Glu709Asp). This variant also falls at the last nucleotide of exon 16, which is part of the consensus splice site for this exon. This variant is present in population databases (rs765313736, gnomAD 0.0009%). This variant has not been reported in the literature in individuals affected with MICAL1-related conditions. An algorithm developed to predict the effect of missense changes on protein structure and function outputs the following: PolyPhen-2: "Benign". The aspartic acid amino acid residue is found in multiple mammalian species, which suggests that this missense change does not adversely affect protein function. Variants that disrupt the consensus splice site are a relatively common cause of aberrant splicing (PMID: 17576681, 9536098). Algorithms developed to predict the effect of sequence changes on RNA splicing suggest that this variant may disrupt the consensus splice site. In summary, the available evidence is currently insufficient to determine the role of this variant in disease. Therefore, it has been classified as a Variant of Uncertain Significance.

Literature cited by the submitters: PubMed 17576681; PubMed 9536098.